The following is an entry in ClinVar:

NM_002693.3(POLG):c.366C>G (p.Asp122Glu)

Genes: POLG (DNA polymerase gamma, catalytic subunit; minus strand), POLGARF (POLG alternative reading frame; minus strand). Cytogenetic location: 15q26.1.
Variant type: single nucleotide variant.
Coding change: c.366C>G on transcript NM_002693.3 (MANE Select); coding-DNA position 366, C replaced by G.
Protein change: p.Asp122Glu; replaces aspartic acid 122 with glutamic acid.
Molecular consequence: missense variant.
Genome position (GRCh38, 1-based): chr15:89,333,389, G>C on the plus strand (C>G on the coding strand, the complement: POLG is on the minus strand). VCF-style: chr15-89333389-G-C. GRCh37 (hg19) VCF-style: chr15-89876620-G-C.
Other names: c.366C>G, p.Asp122Glu (NM_001126131.2); short protein forms D122E.
Identifiers: ClinVar variation 2821814 (VCV002821814.4), dbSNP rs1156969508, ClinGen allele CA393772291.
Genomic context (GRCh38, chr15:89,333,389, plus strand): 5'-CAGGAGGCGGAAGTGCTGGTCCAGGTTGTCCCCGTAGAGGGGCGGCAGGCGCAGCTCCAC[G>C]TCGGGCAAGGGCACGGCTGGCTGCCCCCAGAGCCCGTGCTTCTGCAGGTGCTCGACGCTG-3'
Protein context (NP_002684.1, residues 112-132): LWGQPAVPLP[Asp122Glu]VELRLPPLYG

ClinVar aggregate classification (germline): Uncertain significance. Review status: criteria provided, multiple submitters, no conflicts (2 of 4 stars). 2 submissions from 2 submitters: Uncertain significance (2). Last evaluated 2024-12-20.

Conditions:
Progressive sclerosing poliodystrophy (MTDPS4A). Also called: ALPERS PROGRESSIVE INFANTILE POLIODYSTROPHY; NEURONAL DEGENERATION OF CHILDHOOD WITH LIVER DISEASE, PROGRESSIVE; Alpers Syndrome; ALPERS DIFFUSE DEGENERATION OF CEREBRAL GRAY MATTER WITH HEPATIC CIRRHOSIS; Alpers-Huttenlocher Syndrome; Mitochondrial DNA Depletion Syndrome 4A. Identifiers: Orphanet 726, MedGen C0205710, MONDO:0008758, OMIM 203700.

gnomAD v4.1: 13 of 1,588,120 alleles (0.00082%); highest among the groups gnomAD compares: Admixed American, 0.0017%; no homozygotes.

Submissions (2):

Labcorp Genetics (formerly Invitae), Labcorp
Classification: Uncertain significance for Progressive sclerosing poliodystrophy. Last evaluated: 2024-12-20. Review status: criteria provided, single submitter. Criteria: Invitae Variant Classification Sherloc (09022015). Collection method: clinical testing. Allele origin: germline.
Comment: This sequence change replaces aspartic acid, which is acidic and polar, with glutamic acid, which is acidic and polar, at codon 122 of the POLG protein (p.Asp122Glu). This variant is present in population databases (no rsID available, gnomAD 0.003%). This variant has not been reported in the literature in individuals affected with POLG-related conditions. ClinVar contains an entry for this variant (Variation ID: 2821814). Invitae Evidence Modeling of protein sequence and biophysical properties (such as structural, functional, and spatial information, amino acid conservation, physicochemical variation, residue mobility, and thermodynamic stability) has been performed for this missense variant. However, the output from this modeling did not meet the statistical confidence thresholds required to predict the impact of this variant on POLG protein function. In summary, the available evidence is currently insufficient to determine the role of this variant in disease. Therefore, it has been classified as a Variant of Uncertain Significance.

GeneDx
Classification: Uncertain significance. Last evaluated: 2023-10-10. Review status: criteria provided, single submitter. Criteria: GeneDx Variant Classification Process June 2021. Collection method: clinical testing. Allele origin: germline. Affected: yes.
Comment: Not observed at significant frequency in large population cohorts (gnomAD); In silico analysis supports that this missense variant does not alter protein structure/function; Has not been previously published as pathogenic or benign to our knowledge